The following is an entry in ClinVar:

ClinVar aggregate classification (germline): Uncertain significance. Review status: criteria provided, multiple submitters, no conflicts (2 of 4 stars). 3 submissions from 3 submitters: Uncertain significance (2). 1 of the submissions does not count toward it. Last evaluated 2026-04-14.

Conditions:
ABCB4-related disorder. Also called: ABCB4-related disorders; ABCB4-related condition.
Low phospholipid associated cholelithiasis (GBD1). Also called: Gallbladder disease 1; Gallstone cholecystitis. Identifiers: Orphanet 69663, MedGen C2609268, MONDO:0010939, OMIM 600803.

Allele frequency attached by ClinVar (database versions not stated): gnomAD exomes below 0.00001; gnomAD 0.00001; TOPMed 0.00001; ExAC 0.00002; ESP Exome Variant Server 0.00015.
gnomAD v4.1: 7 of 1,614,072 alleles (0.00043%); highest among the groups gnomAD compares: Non-Finnish European, 0.00059%; no homozygotes.

Submissions (3):

Genomenon, Inc
Classification: Uncertain significance for Low phospholipid associated cholelithiasis. Last evaluated: 2026-04-14. Review status: criteria provided, single submitter. Criteria: Genomenon Sequence Variant Interpretation Standards - Updated. Collection method: curation. Allele origin: germline. Affected: yes.
Comment: ABCB4 p.Arg816Gly (c.2446A>G) is a missense variant that changes the amino acid at residue 816 from Arginine to Glycine. This variant has been observed in at least one proband with an ABCB4-related disorder (PMID:28733223). It is absent or not present at a significant frequency in gnomAD. In silico models predict that this variant is possibly or probably damaging. In conclusion, we classify ABCB4 p.Arg816Gly (c.2446A>G) as a variant of uncertain significance.

Women's Health and Genetics/Laboratory Corporation of America, LabCorp
Classification: Uncertain significance. Last evaluated: 2025-07-14. Review status: criteria provided, single submitter. Criteria: LabCorp Variant Classification Summary - May 2015. Collection method: clinical testing. Allele origin: germline.
Comment: Variant summary: ABCB4 c.2446A>G (p.Arg816Gly) results in a non-conservative amino acid change in the encoded protein sequence. Algorithms developed to predict the effect of missense changes on protein structure and function all suggest that this variant is likely to be disruptive. The variant allele was found at a frequency of 8e-06 in 251330 control chromosomes. The available data on variant occurrences in the general population are insufficient to allow any conclusion about variant significance. c.2446A>G has been observed in a compound heterozygous individual affected with cirrhosis and low phospholipid-associated cholelithiasis (Droge_2017). These data do not allow any conclusion about variant significance. To our knowledge, no experimental evidence demonstrating an impact on protein function has been reported. The following publication has been ascertained in the context of this evaluation (PMID: 28733223). ClinVar contains an entry for this variant (Variation ID: 3036796). Based on the evidence outlined above, the variant was classified as uncertain significance.

PreventionGenetics, part of Exact Sciences
Classification: Uncertain significance for ABCB4-related condition. Last evaluated: 2023-12-21. Review status: no assertion criteria provided. Collection method: clinical testing. Allele origin: germline. Not counted in ClinVar's aggregate classification.
Comment: The ABCB4 c.2446A>G variant is predicted to result in the amino acid substitution p.Arg816Gly. This variant was reported along with a second ABCB4 (MDR3) variant in an individual with cirrhosis. This patient also had a variant in the ABCB11 (BSEP) gene (Patient 23 in Table S3, Dröge et al 2017. PubMed ID: 28733223). This variant is reported in 0.0018% of alleles in individuals of European (Non-Finnish) descent in gnomAD. At this time, the clinical significance of this variant is uncertain due to the absence of conclusive functional and genetic evidence.

Literature cited by the submitters: PubMed 28733223 (cited by Genomenon, Inc and Women's Health and Genetics/Laboratory Corporation of America, LabCorp).

NM_000443.4(ABCB4):c.2446A>G (p.Arg816Gly)

Gene: ABCB4 (ATP binding cassette subfamily B member 4; minus strand). Cytogenetic location: 7q21.12.
Variant type: single nucleotide variant.
Coding change: c.2446A>G on transcript NM_000443.4 (MANE Select); coding-DNA position 2446, A replaced by G.
Protein change: p.Arg816Gly; replaces arginine 816 with glycine.
Molecular consequence: missense variant.
Genome position (GRCh38, 1-based): chr7:87,418,569, T>C on the plus strand (A>G on the coding strand, the complement: ABCB4 is on the minus strand). VCF-style: chr7-87418569-T-C. GRCh37 (hg19) VCF-style: chr7-87047885-T-C.
Other names: c.2446A>G, p.Arg816Gly (NM_018850.3, NM_018849.3); short protein forms R816G.
Identifiers: ClinVar variation 3036796 (VCV003036796.4), dbSNP rs144826668, ClinGen allele CA4327009.
Genomic context (GRCh38, chr7:87,418,569, plus strand): 5'-AACTACAAGTAGAGTGCAGTCTACCTACTCCTTGGACTTGGGCAGCATCTGTGGCAAGTC[T>C]TGTAGAAAGTGCACCAGTACTGTTTTTATGGTCATCAAACCAGCTCATGTCCTATGGCAT-3'
Protein context (NP_000434.1, residues 806-826): HKNSTGALST[Arg816Gly]LATDAAQVQG